The following is an entry in ClinVar:

NM_033109.5(PNPT1):c.1738+37C>G

Gene: PNPT1 (polyribonucleotide nucleotidyltransferase 1; minus strand). Cytogenetic location: 2p16.1.
Variant type: single nucleotide variant.
Coding change: c.1738+37C>G on transcript NM_033109.5 (MANE Select); 37 bases into the intron after coding-DNA position 1738, C replaced by G.
Molecular consequence: intron variant.
Genome position (GRCh38, 1-based): chr2:55,646,222, G>C on the plus strand (C>G on the coding strand, the complement: PNPT1 is on the minus strand). VCF-style: chr2-55646222-G-C. GRCh37 (hg19) VCF-style: chr2-55873357-G-C.
Identifiers: ClinVar variation 671739 (VCV000671739.2), dbSNP rs72805494, ClinGen allele CA1667966.

ClinVar aggregate classification (germline): Benign. Review status: criteria provided, multiple submitters, no conflicts (2 of 4 stars). 2 submissions from 2 submitters: Benign (2). Last evaluated 2018-06-13.

Allele frequency attached by ClinVar (database versions not stated): 1000 Genomes Project 30x 0.02530; 1000 Genomes Project 0.02716; TOPMed 0.02783; gnomAD 0.02849 and 0.03012; ESP Exome Variant Server 0.02876; gnomAD exomes 0.03905 and 0.03951; ExAC 0.04047.
gnomAD v4.1: 60,453 of 1,563,856 alleles (3.9%); highest among the groups gnomAD compares: Middle Eastern, 9.8%; 1,648 homozygotes.

Submissions (2):

GeneDx
Classification: Benign. Last evaluated: 2018-06-13. Review status: criteria provided, single submitter. Criteria: GeneDx Variant Classification (06012015). Collection method: clinical testing. Allele origin: germline. Affected: yes.
Comment: This variant is considered likely benign or benign based on one or more of the following criteria: it is a conservative change, it occurs at a poorly conserved position in the protein, it is predicted to be benign by multiple in silico algorithms, and/or has population frequency not consistent with disease.

Breakthrough Genomics
Classification: Benign. Review status: criteria provided, single submitter. Criteria: ACMG Guidelines, 2015. Collection method: not provided. Allele origin: germline. Inheritance: Autosomal recessive inheritance. Affected: yes.